The following is an entry in ClinVar:

NM_001080414.4(CCDC88C):c.5296G>A (p.Val1766Met)

Gene: CCDC88C (coiled-coil and HOOK domain protein 88C; minus strand). Cytogenetic location: 14q32.11.
Variant type: single nucleotide variant.
Coding change: c.5296G>A on transcript NM_001080414.4 (MANE Select); coding-DNA position 5296, G replaced by A.
Protein change: p.Val1766Met; replaces valine 1766 with methionine.
Molecular consequence: missense variant.
Genome position (GRCh38, 1-based): chr14:91,273,416, C>T on the plus strand (G>A on the coding strand, the complement: CCDC88C is on the minus strand). VCF-style: chr14-91273416-C-T. GRCh37 (hg19) VCF-style: chr14-91739760-C-T.
Other names: short protein forms V1766M.
Identifiers: ClinVar variation 791504 (VCV000791504.53), dbSNP rs201931182, ClinGen allele CA7308680.

ClinVar aggregate classification (germline): Conflicting classifications of pathogenicity. Review status: criteria provided, conflicting classifications (1 of 4 stars). 5 submissions from 5 submitters: Uncertain significance (1); Likely benign (4). Last evaluated 2026-01-27.

Conditions:
Inborn genetic diseases. Identifiers: MedGen C0950123, MeSH D030342.

Allele frequency attached by ClinVar (database versions not stated): gnomAD exomes 0.00076 and 0.00077; 1000 Genomes Project 0.00080; 1000 Genomes Project 30x 0.00094; ESP Exome Variant Server 0.00116; gnomAD 0.00129 and 0.00138; TOPMed 0.00130; ExAC 0.00146.
gnomAD v4.1: 1,269 of 1,560,178 alleles (0.081%); highest among the groups gnomAD compares: African/African-American, 0.25%; 1 homozygote.

Submissions (5):

Labcorp Genetics (formerly Invitae), Labcorp
Classification: Likely benign. Last evaluated: 2026-01-27. Review status: criteria provided, single submitter. Criteria: Invitae Variant Classification Sherloc (09022015). Collection method: clinical testing. Allele origin: germline.

Blueprint Genetics
Classification: Likely benign. Last evaluated: 2024-10-30. Review status: criteria provided, single submitter. Criteria: ACMG Guidelines, 2015. Collection method: clinical testing. Allele origin: germline.

Women's Health and Genetics/Laboratory Corporation of America, LabCorp
Classification: Likely benign. Last evaluated: 2024-08-01. Review status: criteria provided, single submitter. Criteria: LabCorp Variant Classification Summary - May 2015. Collection method: clinical testing. Allele origin: germline.
Comment: Variant summary: CCDC88C c.5296G>A (p.Val1766Met) results in a conservative amino acid change in the encoded protein sequence. Five of five in-silico tools predict a benign effect of the variant on protein function. The variant allele was found at a frequency of 0.00081 in 1560178 control chromosomes, predominantly at a frequency of 0.0025 within the African or African-American subpopulation in the gnomAD database (gnomAD v4.1.0). c.5296G>A has been reported in the literature in at least an individual affected with breast cancer (example: Pipek_2023). These report(s) do not provide unequivocal conclusions about association of the variant with CCDC88C-Related Disorders. To our knowledge, no experimental evidence demonstrating an impact on protein function has been reported. The following publication have been ascertained in the context of this evaluation (PMID: 37239898). ClinVar contains an entry for this variant (Variation ID: 791504). Based on the evidence outlined above, the variant was classified as likely benign.

Ambry Genetics
Classification: Likely benign for Inborn genetic diseases. Last evaluated: 2021-06-21. Review status: criteria provided, single submitter. Criteria: Ambry Variant Classification Scheme 2023. Collection method: clinical testing. Allele origin: germline.

CeGaT Center for Human Genetics Tuebingen
Classification: Uncertain significance. Last evaluated: 2017-06-01. Review status: criteria provided, single submitter. Criteria: CeGaT Center For Human Genetics Tuebingen Variant Classification Criteria Version 2. Collection method: clinical testing. Allele origin: germline. Affected: yes. Observed: 1 variant allele.

Literature cited by the submitters: PubMed 37239898 (cited by Women's Health and Genetics/Laboratory Corporation of America, LabCorp).